The following is an entry in ClinVar:

NM_001006658.3(CR2):c.2638A>G (p.Ile880Val)

Gene: CR2 (complement C3d receptor 2; plus strand). Cytogenetic location: 1q32.2.
Variant type: single nucleotide variant.
Coding change: c.2638A>G on transcript NM_001006658.3 (MANE Select); coding-DNA position 2638, A replaced by G.
Protein change: p.Ile880Val; replaces isoleucine 880 with valine.
Molecular consequence: missense variant.
Genome position (GRCh38, 1-based): chr1:207,475,138, A>G. VCF-style: chr1-207475138-A-G. GRCh37 (hg19) VCF-style: chr1-207648483-A-G.
Other names: c.2461A>G, p.Ile821Val (NM_001877.5); short protein forms I880V, I821V.
Identifiers: ClinVar variation 2100560 (VCV002100560.4), dbSNP rs2527227918, ClinGen allele CA344539265.

ClinVar aggregate classification (germline): Uncertain significance (1 of 4 stars; one submission).

Conditions:
Immunodeficiency, common variable, 7. Identifiers: Orphanet 1572, Orphanet 696894, MedGen C3542922, MONDO:0013862, OMIM 614699.

Allele frequency attached by ClinVar (database versions not stated): gnomAD exomes below 0.00001.

Submission:

Labcorp Genetics (formerly Invitae), Labcorp
Classification: Uncertain significance for Immunodeficiency, common variable, 7. Last evaluated: 2022-02-20. Review status: criteria provided, single submitter. Criteria: Invitae Variant Classification Sherloc (09022015). Collection method: clinical testing. Allele origin: germline.
Comment: In summary, the available evidence is currently insufficient to determine the role of this variant in disease. Therefore, it has been classified as a Variant of Uncertain Significance. Algorithms developed to predict the effect of missense changes on protein structure and function output the following: SIFT: "Tolerated"; PolyPhen-2: "Benign"; Align-GVGD: "Class C0". The valine amino acid residue is found in multiple mammalian species, which suggests that this missense change does not adversely affect protein function. This variant has not been reported in the literature in individuals affected with CR2-related conditions. This variant is not present in population databases (gnomAD no frequency). This sequence change replaces isoleucine, which is neutral and non-polar, with valine, which is neutral and non-polar, at codon 880 of the CR2 protein (p.Ile880Val).